The following is an entry in ClinVar:

ClinVar aggregate classification (germline): Likely pathogenic (1 of 4 stars; one submission).

Conditions:
Wilson disease (WND). Also called: Wilson's disease. Identifiers: Orphanet 905, MedGen C0019202, MONDO:0010200, OMIM 277900. Disease mechanism: loss of function.

Submission:

Juno Genomics, Hangzhou Juno Genomics, Inc
Classification: Likely pathogenic for Wilson disease. Review status: criteria provided, single submitter. Criteria: ACMG Guidelines, 2015. Collection method: clinical testing. Allele origin: germline.
Comment: Absent from controls (or at extremely low frequency if recessive) in Genome Aggregation Database.;Multiple lines of computational evidence support a deleterious effect on the gene or gene product.;Novel missense change at an amino acid residue where a different missense change determined to be pathogenic has been seen before.

NM_000053.4(ATP7B):c.3089G>C (p.Gly1030Ala)

Gene: ATP7B (ATPase copper transporting beta; minus strand). Cytogenetic location: 13q14.3.
Variant type: single nucleotide variant.
Coding change: c.3089G>C on transcript NM_000053.4 (MANE Select); coding-DNA position 3089, G replaced by C.
Protein change: p.Gly1030Ala; replaces glycine 1030 with alanine.
Molecular consequence: missense variant. On other transcripts: intron variant (1).
Genome position (GRCh38, 1-based): chr13:51,944,263, C>G on the plus strand (G>C on the coding strand, the complement: ATP7B is on the minus strand). VCF-style: chr13-51944263-C-G. GRCh37 (hg19) VCF-style: chr13-52518399-C-G.
Other names: c.3089G>C, p.Gly1030Ala (NM_001406511.1, NM_001406512.1, NM_001406526.1); c.3083G>C, p.Gly1028Ala (NM_001406513.1); c.3056G>C, p.Gly1019Ala (NM_001406514.1); c.3035G>C, p.Gly1012Ala (NM_001406515.1, NM_001406516.1); c.2993G>C, p.Gly998Ala (NM_001406517.1, NM_001406518.1); c.2954G>C, p.Gly985Ala (NM_001406519.1); c.2945G>C, p.Gly982Ala (NM_001406520.1, NM_001406521.1, NM_001406522.1); c.2837G>C, p.Gly946Ala (NM_001406532.1, NM_001330579.2, NM_001406531.1); and 19 more; short protein forms G1019A, G1030A, G600A, G823A, G887A, G914A, G917A, G952A.
Identifiers: ClinVar variation 5005264 (VCV005005264.2).